The following is an entry in ClinVar:

NM_001089.3(ABCA3):c.2296C>T (p.Pro766Ser)

Gene: ABCA3 (ATP binding cassette subfamily A member 3; minus strand). Cytogenetic location: 16p13.3.
Variant type: single nucleotide variant.
Coding change: c.2296C>T on transcript NM_001089.3 (MANE Select); coding-DNA position 2296, C replaced by T.
Protein change: p.Pro766Ser; replaces proline 766 with serine.
Molecular consequence: missense variant.
Genome position (GRCh38, 1-based): chr16:2,295,708, G>A on the plus strand (C>T on the coding strand, the complement: ABCA3 is on the minus strand). VCF-style: chr16-2295708-G-A. GRCh37 (hg19) VCF-style: chr16-2345709-G-A.
Other names: short protein forms P766S.
Identifiers: ClinVar variation 178696 (VCV000178696.33), dbSNP rs45592239, ClinGen allele CA182802.

ClinVar aggregate classification (germline): Conflicting classifications of pathogenicity. Review status: criteria provided, conflicting classifications (1 of 4 stars). 9 submissions from 9 submitters: Uncertain significance (5); Likely benign (4). Last evaluated 2026-06-23.

Conditions:
Hereditary pulmonary alveolar proteinosis. Also called: Pulmonary surfactant metabolism dysfunction. Identifiers: Orphanet 264675, MedGen C3711368, MONDO:0012580.
Interstitial lung disease due to ABCA3 deficiency. Also called: PULMONARY ALVEOLAR PROTEINOSIS, CONGENITAL, 3. Identifiers: Orphanet 440402, MedGen C1970456, MONDO:0012582, OMIM 610921.

Allele frequency attached by ClinVar (database versions not stated): 1000 Genomes Project 0.00040; 1000 Genomes Project 30x 0.00062; TOPMed 0.00152; gnomAD 0.00170 and 0.00172; gnomAD exomes 0.00171 and 0.00220; ESP Exome Variant Server 0.00177; ExAC 0.00192.
gnomAD v4.1: 3,451 of 1,614,026 alleles (0.21%); highest among the groups gnomAD compares: Non-Finnish European, 0.27%; 5 homozygotes.

Submissions (9):

Ambry Genetics
Classification: Uncertain significance for Hereditary pulmonary alveolar proteinosis. Last evaluated: 2026-06-23. Review status: criteria provided, single submitter. Criteria: Ambry Variant Classification Scheme 2023. Collection method: clinical testing. Allele origin: germline.
Comment: The p.P766S variant (also known as c.2296C>T), located in coding exon 15 of the ABCA3 gene, results from a C to T substitution at nucleotide position 2296. The proline at codon 766 is replaced by serine, an amino acid with similar properties. This variant was identified in cis with p.L960F and in trans with a frameshift alteration in an infant with progressive lung disease and a histopathologic diagnosis of pulmonary alveolar proteinosis (Garmany TH et al. Pediatr. Res., 2006 Jun;59:801-5). In another study, the complex allele, p.[P766S; L960F], was identified in four individuals with severe pulmonary symptoms and a third ABCA3 alteration in trans (Wambach JA et al. Am. J. Respir. Crit. Care Med., 2014 Jun;189:1538-43). In addition, this alteration is predicted to be tolerated by in silico analysis. Based on the available evidence, the clinical significance of this variant remains unclear.

CeGaT Center for Human Genetics Tuebingen
Classification: Likely benign. Last evaluated: 2026-05-01. Review status: criteria provided, single submitter. Criteria: CeGaT Center For Human Genetics Tuebingen Variant Classification Criteria Version 2. Collection method: clinical testing. Allele origin: germline. Affected: yes. Observed: 1 variant allele.
Comment: ABCA3: BP4, BS2

Labcorp Genetics (formerly Invitae), Labcorp
Classification: Likely benign. Last evaluated: 2026-01-28. Review status: criteria provided, single submitter. Criteria: Invitae Variant Classification Sherloc (09022015). Collection method: clinical testing. Allele origin: germline.

GeneDx
Classification: Uncertain significance. Last evaluated: 2025-07-23. Review status: criteria provided, single submitter. Criteria: GeneDx Variant Classification Process June 2021. Collection method: clinical testing. Allele origin: germline. Affected: yes.
Comment: Observed in the heterozygous state in four individuals with variable pulmnoary phenotypes including asthma, COPD, and interstitial lung disease, and in 121 patients from a general population health study (Copenhagen City Heart study) without a significant pulmonary phenotype, including one individual who was compound heterozygous for P766S and another missense variant (PMID: 22866751); In silico analysis supports that this missense variant has a deleterious effect on protein structure/function; This variant is associated with the following publications: (PMID: 35170262, 36808083, 24871971, 23625987, 22866751, 16641205, 34638622)

Blueprint Genetics
Classification: Likely benign. Last evaluated: 2024-11-07. Review status: criteria provided, single submitter. Criteria: ACMG Guidelines, 2015. Collection method: clinical testing. Allele origin: germline.

Johns Hopkins Genomics, Johns Hopkins University
Classification: Uncertain significance for Interstitial lung disease due to ABCA3 deficiency. Last evaluated: 2019-10-28. Review status: criteria provided, single submitter. Criteria: ACMG Guidelines, 2015. Collection method: clinical testing. Allele origin: germline.
Comment: This ABCA3 variant has been reported in the heterozygous state and as part of a complex allele with p.Leu960Phe. There are conflicting interpretations of the pathogenicity of this variant in ClinVar. One submitter classified it as a variant of uncertain clinical significance and one as likely benign. Of three bioinformatics tools queried, two predict that the substitution would be damaging, while one predicts that it would be tolerated. The proline residue at this position is highly evolutionarily conserved across most higher order species. Due to insufficient evidence, we consider the clinical significance of c.2296C>T to be uncertain at this time.

Illumina Laboratory Services, Illumina
Classification: Uncertain significance for Interstitial lung disease due to ABCA3 deficiency. Last evaluated: 2017-04-27. Review status: criteria provided, single submitter. Criteria: ICSL Variant Classification Criteria 13 December 2019. Collection method: clinical testing. Allele origin: germline.

Eurofins Ntd Llc (ga)
Classification: Likely benign. Last evaluated: 2016-10-14. Review status: criteria provided, single submitter. Criteria: EGL Classification Definitions 2015. Collection method: clinical testing. Allele origin: germline. Observed: 1 variant allele, 1 heterozygote.

Laboratory for Molecular Medicine, Mass General Brigham Personalized Medicine
Classification: Uncertain significance. Last evaluated: 2014-11-05. Review status: criteria provided, single submitter. Criteria: LMM Criteria. Collection method: clinical testing. Allele origin: germline. Observed: 1 variant allele.
Comment: Variant classified as Uncertain Significance - Favor Benign. The p.Pro766Ser var iant in ABCA3 has been reported in at least 10 individuals with various pulmonar y phenotypes (Baekvad-Hansen 2012). In addition, this variant has been identifie d in 0.26% (22/8600) of European American chromosomes by the NHLBI Exome Sequenc ing Project (dbSNP rs45592239). Computational prediction tools and conservation analysis suggest that the p.Pro766Ser variant may not impact the protein, though this information is not predictive enough to rule out pathogenicity. In fact, 2 fish species (southern platyfish and spotted gar) carry a serine (Ser) at this position, suggesting that this change may be tolerated. In summary, while the clinical significance of the p.Pro766Ser varian t is uncertain, its frequency and the presence of the variant amino acid in othe r species suggests that it is more likely to be benign.

Literature cited by the submitters: PubMed 16641205 (cited by Ambry Genetics); PubMed 18024538 (cited by Ambry Genetics); PubMed 22866751 (cited by Ambry Genetics and Laboratory for Molecular Medicine, Mass General Brigham Personalized Medicine); PubMed 23625987 (cited by Ambry Genetics); PubMed 24871971 (cited by Ambry Genetics).